The following is an entry in ClinVar:

NM_024854.5(PYROXD1):c.1498G>A (p.Asp500Asn)

Gene: PYROXD1 (pyridine nucleotide-disulphide oxidoreductase domain 1; plus strand). Cytogenetic location: 12p12.1.
Variant type: single nucleotide variant.
Coding change: c.1498G>A on transcript NM_024854.5 (MANE Select); coding-DNA position 1498, G replaced by A.
Protein change: p.Asp500Asn; replaces aspartic acid 500 with asparagine.
Molecular consequence: missense variant.
Genome position (GRCh38, 1-based): chr12:21,468,749, G>A. VCF-style: chr12-21468749-G-A. GRCh37 (hg19) VCF-style: chr12-21621683-G-A.
Other names: c.1285G>A, p.Asp429Asn (NM_001350912.2); c.721G>A, p.Asp241Asn (NM_001350913.2); short protein forms D241N, D429N, D500N.
Identifiers: ClinVar variation 1357852 (VCV001357852.6), dbSNP rs1942852513, ClinGen allele CA384113256.
Genomic context (GRCh38, chr12:21,468,749, plus strand): 5'-AATCTTTCATCATATGGAGAAGATCTGCTAGATCCAAATATTGATATAGAAGATTATTTT[G>A]ACTAAAAATGGAATTTCTTCAGGAATCATATAAAGTTCCAAATGACACCAGAAAAATCAC-3'
Protein context (NP_079130.2, residues 490-500): DPNIDIEDYF[Asp500Asn]

ClinVar aggregate classification (germline): Uncertain significance (1 of 4 stars; one submission).

Allele frequency attached by ClinVar (database versions not stated): gnomAD exomes below 0.00001.
gnomAD v4.1: 1 of 1,601,512 alleles (0.000062%); highest among the groups gnomAD compares: South Asian, 0.0011%; no homozygotes.

Submission:

Labcorp Genetics (formerly Invitae), Labcorp
Classification: Uncertain significance. Last evaluated: 2021-11-07. Review status: criteria provided, single submitter. Criteria: Invitae Variant Classification Sherloc (09022015). Collection method: clinical testing. Allele origin: germline.
Comment: This sequence change replaces aspartic acid, which is acidic and polar, with asparagine, which is neutral and polar, at codon 500 of the PYROXD1 protein (p.Asp500Asn). This variant is not present in population databases (gnomAD no frequency). This variant has not been reported in the literature in individuals affected with PYROXD1-related conditions. In summary, the available evidence is currently insufficient to determine the role of this variant in disease. Therefore, it has been classified as a Variant of Uncertain Significance. Algorithms developed to predict the effect of missense changes on protein structure and function are either unavailable or do not agree on the potential impact of this missense change (SIFT: "Deleterious"; PolyPhen-2: "Probably Damaging"; Align-GVGD: "Class C0").